The following is an entry in ClinVar:

ClinVar aggregate classification (germline): Uncertain significance (1 of 4 stars; one submission).

Allele frequency attached by ClinVar (database versions not stated): gnomAD exomes 0.00002; ExAC 0.00008.
gnomAD v4.1: 19 of 1,211,707 alleles (0.0016%); highest among the groups gnomAD compares: Admixed American, 0.0022%; no homozygotes.

Submission:

Women's Health and Genetics/Laboratory Corporation of America, LabCorp
Classification: Uncertain significance. Last evaluated: 2024-03-27. Review status: criteria provided, single submitter. Criteria: LabCorp Variant Classification Summary - May 2015. Collection method: clinical testing. Allele origin: germline.
Comment: Variant summary: AFF2 c.2509C>T (p.Arg837Cys) results in a non-conservative amino acid change in the encoded protein sequence. Four of five in-silico tools predict a damaging effect of the variant on protein function. The variant allele was found at a frequency of 3.8e-05 in 183114 control chromosomes. The available data on variant occurrences in the general population are insufficient to allow any conclusion about variant significance. c.2509C>T has been reported in the literature in at least two hemizygous males affected with autism and/or intellectual disability (e.g., Mondal_2012; Du_2018). However, these data do not allow any conclusion about variant significance. To our knowledge, no experimental evidence demonstrating an impact on protein function has been reported. The following publications have been ascertained in the context of this evaluation (PMID: 30555518, 22773736). No submitters have cited clinical-significance assessments for this variant to ClinVar. Based on the evidence outlined above, the variant was classified as uncertain significance.

Literature cited by the submitters: PubMed 30555518; PubMed 22773736.

NM_002025.4(AFF2):c.2509C>T (p.Arg837Cys)

Gene: AFF2 (ALF transcription elongation factor 2; plus strand). Cytogenetic location: Xq28.
Variant type: single nucleotide variant.
Coding change: c.2509C>T on transcript NM_002025.4 (MANE Select); coding-DNA position 2509, C replaced by T.
Protein change: p.Arg837Cys; replaces arginine 837 with cysteine.
Molecular consequence: missense variant.
Genome position (GRCh38, 1-based): chrX:148,956,554, C>T. VCF-style: chrX-148956554-C-T. GRCh37 (hg19) VCF-style: chrX-148038084-C-T.
Other names: c.2410C>T, p.Arg804Cys (NM_001169122.2); c.2479C>T, p.Arg827Cys (NM_001169123.2); c.2404C>T, p.Arg802Cys (NM_001169124.2); c.2392C>T, p.Arg798Cys (NM_001169125.2); c.1432C>T, p.Arg478Cys (NM_001170628.1); short protein forms R478C, R798C, R802C, R804C, R827C, R837C.
Identifiers: ClinVar variation 3233744 (VCV003233744.2), dbSNP rs782465333, ClinGen allele CA10537151.